The following is an entry in ClinVar:

ClinVar aggregate classification (germline): Uncertain significance (1 of 4 stars; one submission).

Submission:

GeneDx
Classification: Uncertain significance. Last evaluated: 2026-01-25. Review status: criteria provided, single submitter. Criteria: GeneDx Variant Classification Process June 2021. Collection method: clinical testing. Allele origin: germline.
Comment: Not observed at significant frequency in large population cohorts (gnomAD); In silico analysis suggests that this missense variant does not alter protein structure/function; Has not been previously published as pathogenic or benign to our knowledge

NM_001127392.3(MYRF):c.565C>T (p.Pro189Ser)

Gene: MYRF (myelin regulatory factor; plus strand). Cytogenetic location: 11q12.2.
Variant type: single nucleotide variant.
Coding change: c.565C>T on transcript NM_001127392.3 (MANE Select); coding-DNA position 565, C replaced by T.
Protein change: p.Pro189Ser; replaces proline 189 with serine.
Molecular consequence: missense variant.
Genome position (GRCh38, 1-based): chr11:61,770,350, C>T. VCF-style: chr11-61770350-C-T. GRCh37 (hg19) VCF-style: chr11-61537822-C-T.
Other names: c.538C>T, p.Pro180Ser (NM_013279.4); short protein forms P180S, P189S.
Identifiers: ClinVar variation 3363756 (VCV003363756.2).
Genomic context (GRCh38, chr11:61,770,350, plus strand): 5'-GTGGGAGTGCCCTCCCGCCTGGAGCATCCGCCCCCACCTCCAGCCCACTTGCCAGGCCCC[C>T]CGCCACCCCCACCACCCCCACCTCACTACCCTGTCCTGCAGCGGGATCTGTACATGAAGG-3'
Protein context (NP_001120864.1, residues 179-199): PPPPAHLPGP[Pro189Ser]PPPPPPPHYP